The following is an entry in ClinVar:

ClinVar aggregate classification (germline): Benign (1 of 4 stars; one submission).

Conditions:
Renal hypomagnesemia 2 (HOMG2). Also called: MAGNESIUM LOSS, ISOLATED RENAL. Identifiers: Orphanet 34528, MedGen C1835171, MONDO:0007937, OMIM 154020.

Allele frequency attached by ClinVar (database versions not stated): gnomAD 0.00009 and 0.00012; TOPMed 0.00009; gnomAD exomes 0.00016; 1000 Genomes Project 0.00060; 1000 Genomes Project 30x 0.00062.
gnomAD v4.1: 48 of 336,514 alleles (0.014%); highest among the groups gnomAD compares: South Asian, 0.1%; 1 homozygote.

Submission:

Illumina Laboratory Services, Illumina
Classification: Benign for Renal hypomagnesemia 2. Last evaluated: 2018-01-13. Review status: criteria provided, single submitter. Criteria: ICSL Variant Classification Criteria 13 December 2019. Collection method: clinical testing. Allele origin: germline.
Comment: This variant was observed in the ICSL laboratory as part of a predisposition screen in an ostensibly healthy population. It had not been previously curated by ICSL or reported in the Human Gene Mutation Database (HGMD: prior to June 1st, 2018), and was therefore a candidate for classification through an automated scoring system. Utilizing variant allele frequency, disease prevalence and penetrance estimates, and inheritance mode, an automated score was calculated to assess if this variant is too frequent to cause the disease. Based on the score and internal cut-off values, a variant classified as benign is not then subjected to further curation. The score for this variant resulted in a classification of benign for this disease.

NM_001680.5(FXYD2):c.*71G>A

Genes: FXYD6-FXYD2 (FXYD6-FXYD2 readthrough; minus strand), FXYD2 (FXYD domain containing ion transport regulator 2; minus strand). Cytogenetic location: 11q23.3.
Variant type: single nucleotide variant.
Coding change: c.*71G>A on transcript NM_001680.5 (MANE Select); 71 bases downstream of the stop codon, G replaced by A.
Molecular consequence: 3 prime UTR variant.
Genome position (GRCh38, 1-based): chr11:117,820,308, C>T on the plus strand (G>A on the coding strand, the complement: FXYD2 is on the minus strand). VCF-style: chr11-117820308-C-T. GRCh37 (hg19) VCF-style: chr11-117691023-C-T.
Other names: c.*71G>A (NM_001204268.3, NM_021603.4); c.*105G>A (NM_001243598.4).
Identifiers: ClinVar variation 302519 (VCV000302519.5), dbSNP rs565539331, ClinGen allele CA10633479.